The following is an entry in ClinVar:

NM_138713.4(NFAT5):c.2888A>T (p.Asn963Ile)

Gene: NFAT5 (nuclear factor of activated T cells 5; plus strand). Cytogenetic location: 16q22.1.
Variant type: single nucleotide variant.
Coding change: c.2888A>T on transcript NM_138713.4 (MANE Select); coding-DNA position 2888, A replaced by T.
Protein change: p.Asn963Ile; replaces asparagine 963 with isoleucine.
Molecular consequence: missense variant.
Genome position (GRCh38, 1-based): chr16:69,692,713, A>T. VCF-style: chr16-69692713-A-T. GRCh37 (hg19) VCF-style: chr16-69726616-A-T.
Other names: c.2885A>T, p.Asn962Ile (NM_001113178.3); c.2213A>T, p.Asn738Ile (NM_001367709.1); c.2834A>T, p.Asn945Ile (NM_006599.4); c.2606A>T, p.Asn869Ile (NM_138714.4, NM_173214.3, NM_173215.3); short protein forms N869I, N962I, N963I, N738I, N945I.
Identifiers: ClinVar variation 3658317 (VCV003658317.2).

ClinVar aggregate classification (germline): Uncertain significance (1 of 4 stars; one submission).

Conditions:
Immunodeficiency. Identifiers: MedGen C0021051, MONDO:0021094, HP:0002721.

Submission:

Labcorp Genetics (formerly Invitae), Labcorp
Classification: Uncertain significance for Immunodeficiency. Last evaluated: 2024-08-21. Review status: criteria provided, single submitter. Criteria: Invitae Variant Classification Sherloc (09022015). Collection method: clinical testing. Allele origin: germline.
Comment: This sequence change replaces asparagine, which is neutral and polar, with isoleucine, which is neutral and non-polar, at codon 869 of the NFAT5 protein (p.Asn869Ile). This variant is not present in population databases (gnomAD no frequency). This variant has not been reported in the literature in individuals affected with NFAT5-related conditions. An algorithm developed to predict the effect of missense changes on protein structure and function (PolyPhen-2) suggests that this variant is likely to be tolerated. In summary, the available evidence is currently insufficient to determine the role of this variant in disease. Therefore, it has been classified as a Variant of Uncertain Significance.